The following is an entry in ClinVar:

ClinVar aggregate classification (germline): Likely pathogenic (1 of 4 stars; one submission).

Submission:

Labcorp Genetics (formerly Invitae), Labcorp
Classification: Likely pathogenic. Last evaluated: 2024-02-07. Review status: criteria provided, single submitter. Criteria: Invitae Variant Classification Sherloc (09022015). Collection method: clinical testing. Allele origin: germline.
Comment: This sequence change affects a donor splice site in intron 2 of the GRIP1 gene. It is expected to disrupt RNA splicing. Variants that disrupt the donor or acceptor splice site typically lead to a loss of protein function (PMID: 16199547), and loss-of-function variants in GRIP1 are known to be pathogenic (PMID: 22510445, 24357607). This variant is not present in population databases (gnomAD no frequency). This variant has not been reported in the literature in individuals affected with GRIP1-related conditions. Algorithms developed to predict the effect of sequence changes on RNA splicing suggest that this variant may disrupt the consensus splice site. In summary, the currently available evidence indicates that the variant is pathogenic, but additional data are needed to prove that conclusively. Therefore, this variant has been classified as Likely Pathogenic.

Literature cited by the submitters: PubMed 16199547; PubMed 22510445; PubMed 24357607.

NM_001366722.1(GRIP1):c.136+1G>T

Gene: GRIP1 (glutamate receptor interacting protein 1; minus strand). Cytogenetic location: 12q14.3.
Variant type: single nucleotide variant.
Coding change: c.136+1G>T on transcript NM_001366722.1 (MANE Select); the canonical splice donor site of the intron after coding-DNA position 136, G replaced by T.
Molecular consequence: splice donor variant.
Genome position (GRCh38, 1-based): chr12:66,596,846, C>A on the plus strand (G>T on the coding strand, the complement: GRIP1 is on the minus strand). VCF-style: chr12-66596846-C-A. GRCh37 (hg19) VCF-style: chr12-66990626-C-A.
Other names: c.139+1G>T (NM_001379351.1, NM_001379349.1); c.214+1G>T (NM_001379348.1, NM_001366723.1, NM_001379347.1 and 2 more transcripts); c.136+1G>T (NM_001178074.2, NM_021150.4, NM_001379346.1).
Identifiers: ClinVar variation 3639484 (VCV003639484.2).